The following is an entry in ClinVar:

ClinVar aggregate classification (germline): Likely benign (1 of 4 stars; one submission).

Submission:

CeGaT Center for Human Genetics Tuebingen
Classification: Likely benign. Last evaluated: 2025-06-01. Review status: criteria provided, single submitter. Criteria: CeGaT Center For Human Genetics Tuebingen Variant Classification Criteria Version 2. Collection method: clinical testing. Allele origin: germline. Affected: yes. Observed: 1 variant allele.
Comment: MKRN3: BP4, BP7

NM_005664.4(MKRN3):c.1311A>T (p.Ser437=)

Gene: MKRN3 (makorin ring finger protein 3; plus strand). Cytogenetic location: 15q11.2.
Variant type: single nucleotide variant.
Coding change: c.1311A>T on transcript NM_005664.4 (MANE Select); coding-DNA position 1311, A replaced by T.
Protein change: p.Ser437=; no amino-acid change (serine 437 retained).
Molecular consequence: synonymous variant.
Genome position (GRCh38, 1-based): chr15:23,567,093, A>T. VCF-style: chr15-23567093-A-T. GRCh37 (hg19) VCF-style: chr15-23812240-A-T.
Identifiers: ClinVar variation 3905267 (VCV003905267.10).